The following is an entry in ClinVar:

ClinVar aggregate classification (germline): Uncertain significance (1 of 4 stars; one submission).

Conditions:
Inborn genetic diseases. Identifiers: MedGen C0950123, MeSH D030342.

gnomAD v4.1: 1 of 1,613,664 alleles (0.000062%); highest among the groups gnomAD compares: South Asian, 0.0011%; no homozygotes.

Submission:

Ambry Genetics
Classification: Uncertain significance for Inborn genetic diseases. Last evaluated: 2025-04-09. Review status: criteria provided, single submitter. Criteria: Ambry Variant Classification Scheme 2023. Collection method: clinical testing. Allele origin: germline.
Comment: The p.K1099R variant (also known as c.3296A>G), located in coding exon 15 of the MECOM gene, results from an A to G substitution at nucleotide position 3296. The lysine at codon 1099 is replaced by arginine, an amino acid with highly similar properties. This amino acid position is conserved. In addition, this alteration is predicted to be tolerated by in silico analysis. Based on the available evidence, the clinical significance of this variant remains unclear.

NM_004991.4(MECOM):c.3296A>G (p.Lys1099Arg)

Gene: MECOM (MDS1 and EVI1 complex locus; minus strand). Cytogenetic location: 3q26.2.
Variant type: single nucleotide variant.
Coding change: c.3296A>G on transcript NM_004991.4 (MANE Select); coding-DNA position 3296, A replaced by G.
Protein change: p.Lys1099Arg; replaces lysine 1099 with arginine.
Molecular consequence: missense variant.
Genome position (GRCh38, 1-based): chr3:169,090,105, T>C on the plus strand (A>G on the coding strand, the complement: MECOM is on the minus strand). VCF-style: chr3-169090105-T-C. GRCh37 (hg19) VCF-style: chr3-168807893-T-C.
Other names: c.2927A>G, p.Lys976Arg (NM_001105077.4); c.2732A>G, p.Lys911Arg (NM_001105078.4, NM_001205194.2, NM_001366469.2 and 1 more transcripts); c.2708A>G, p.Lys903Arg (NM_001163999.2, NM_001366470.2); c.2705A>G, p.Lys902Arg (NM_001164000.2, NM_001366471.2, NM_001366472.2); c.3269A>G, p.Lys1090Arg (NM_001366466.2); c.2735A>G, p.Lys912Arg (NM_001366467.2, NM_001366468.2); c.2297A>G, p.Lys766Arg (NM_001366473.2); c.1733A>G, p.Lys578Arg (NM_001366474.2); short protein forms K903R, K1099R, K578R, K766R, K902R, K911R, K912R, K1090R.
Identifiers: ClinVar variation 4053161 (VCV004053161.1).
Genomic context (GRCh38, chr3:169,090,105, plus strand): 5'-TCATAGTCATCCTCAGGGTTTCCTTCATGTAAATTACTTGTCACTGGTTCCTTTCCTGTT[T>C]TTCCAGTAATATCATTGTCTTCATCCTCCTCATCTAACAACACCTCATCTTCAACTTCTT-3'
Protein context (NP_004982.2, residues 1089-1109): EEDEDNDITG[Lys1099Arg]TGKEPVTSNL